The following is an entry in ClinVar:

NM_032608.7(MYO18B):c.6716C>G (p.Ser2239Trp)

Gene: MYO18B (myosin XVIIIB; plus strand). Cytogenetic location: 22q12.1.
Variant type: single nucleotide variant.
Coding change: c.6716C>G on transcript NM_032608.7 (MANE Select); coding-DNA position 6716, C replaced by G.
Protein change: p.Ser2239Trp; replaces serine 2239 with tryptophan.
Molecular consequence: missense variant.
Genome position (GRCh38, 1-based): chr22:26,026,690, C>G. VCF-style: chr22-26026690-C-G. GRCh37 (hg19) VCF-style: chr22-26422656-C-G.
Other names: c.6719C>G, p.Ser2240Trp (NM_001318245.2); short protein forms S2239W, S2240W.
Identifiers: ClinVar variation 1402049 (VCV001402049.7), dbSNP rs192136611, ClinGen allele CA10161597.

ClinVar aggregate classification (germline): Uncertain significance. Review status: criteria provided, multiple submitters, no conflicts (2 of 4 stars). 3 submissions from 3 submitters: Uncertain significance (3). Last evaluated 2026-02-21.

Conditions:
Klippel-Feil anomaly-myopathy-facial dysmorphism syndrome. Also called: Klippel-Feil syndrome 4, autosomal recessive, with myopathy and facial dysmorphism; Klippel-feil syndrome 4, autosomal recessive, with nemaline myopathy and facial dysmorphism. Identifiers: Orphanet 447974, MedGen C4225285, MONDO:0014689, OMIM 616549.

Allele frequency attached by ClinVar (database versions not stated): 1000 Genomes Project 0.00020; ESP Exome Variant Server 0.00017; 1000 Genomes Project 30x 0.00031.
gnomAD v4.1: 242 of 1,613,840 alleles (0.015%); highest among the groups gnomAD compares: Middle Eastern, 0.099%; no homozygotes.

Submissions (3):

GeneDx
Classification: Uncertain significance. Last evaluated: 2026-02-21. Review status: criteria provided, single submitter. Criteria: GeneDx Variant Classification Process June 2021. Collection method: clinical testing. Allele origin: germline.
Comment: In silico analysis suggests that this missense variant does not alter protein structure/function; Has not been previously published as pathogenic or benign to our knowledge

Labcorp Genetics (formerly Invitae), Labcorp
Classification: Uncertain significance. Last evaluated: 2025-12-03. Review status: criteria provided, single submitter. Criteria: Invitae Variant Classification Sherloc (09022015). Collection method: clinical testing. Allele origin: germline.
Comment: This sequence change replaces serine, which is neutral and polar, with tryptophan, which is neutral and slightly polar, at codon 2239 of the MYO18B protein (p.Ser2239Trp). This variant is present in population databases (rs192136611, gnomAD 0.04%). This variant has not been reported in the literature in individuals affected with MYO18B-related conditions. ClinVar contains an entry for this variant (Variation ID: 1402049). An algorithm developed to predict the effect of missense changes on protein structure and function (PolyPhen-2) suggests that this variant is likely to be disruptive. In summary, the available evidence is currently insufficient to determine the role of this variant in disease. Therefore, it has been classified as a Variant of Uncertain Significance.

Revvity Omics, Revvity
Classification: Uncertain significance for Klippel-Feil anomaly-myopathy-facial dysmorphism syndrome. Last evaluated: 2025-05-06. Review status: criteria provided, single submitter. Criteria: ACMG Guidelines, 2015. Collection method: clinical testing. Allele origin: germline.